The following is an entry in ClinVar:

NM_000552.5(VWF):c.6963del (p.Glu2322fs)

Gene: VWF (von Willebrand factor; minus strand). Cytogenetic location: 12p13.31.
Variant type: Deletion.
Coding change: c.6963del on transcript NM_000552.5 (MANE Select); coding-DNA position 6963, one base deleted (C; older notation c.6963delC).
Protein change: p.Glu2322fs; shifts the reading frame from glutamic acid 2322.
Molecular consequence: frameshift variant.
Genome position (GRCh38, 1-based): chr12:5,985,058, G deleted on the plus strand (C on the coding strand, the reverse complement: VWF is on the minus strand); the first of 4 consecutive G bases (chr12:5,985,058-5,985,061); deleting any one gives the same sequence. VCF-style (leftmost placement, unchanged base first): chr12-5985057-CG-C. GRCh37 (hg19) VCF-style: chr12-6094223-CG-C.
Other names: short protein forms E2322fs.
Identifiers: ClinVar variation 1172778 (VCV001172778.4), dbSNP rs2136375523, ClinGen allele CA2499221791.

ClinVar aggregate classification (germline): Pathogenic (1 of 4 stars; one submission).

Conditions:
von Willebrand disease type 3 (VWD3). Also called: Type 3 Von Willebrand's disease; Type 3 VWD; Von Willebrand disease, severe form; V WD3; VON WILLEBRAND DISEASE, TYPE III. Identifiers: Orphanet 166096, MedGen C1264041, MONDO:0010191, OMIM 277480.

Submission:

The Laboratory of Genetics and Metabolism, Hunan Children’s Hospital
Classification: Pathogenic for von Willebrand disease type 3. Last evaluated: 2021-03-06. Review status: criteria provided, single submitter. Criteria: ACMG Guidelines, 2015. Collection method: research. Allele origin: paternal. Affected: yes. Observed: 1 variant allele.
Comment: In compound heterozygosity following autosomal recessive inheritance.

Literature cited by the submitters: PubMed 34298581.